The following is an entry in ClinVar:

ClinVar aggregate classification (germline): Likely benign. Review status: criteria provided, single submitter (1 of 4 stars). 2 submissions from 2 submitters: Likely benign (1). 1 of the submissions does not count toward it. Last evaluated 2025-07-30.

Conditions:
DYRK1B-related disorder. Also called: DYRK1B-related condition.

Allele frequency attached by ClinVar (database versions not stated): gnomAD 0.00003; TOPMed 0.00002; ExAC 0.00003.
gnomAD v4.1: 24 of 1,614,116 alleles (0.0015%); highest among the groups gnomAD compares: Admixed American, 0.0067%; no homozygotes.

Submissions (2):

Labcorp Genetics (formerly Invitae), Labcorp
Classification: Likely benign. Last evaluated: 2025-07-30. Review status: criteria provided, single submitter. Criteria: Invitae Variant Classification Sherloc (09022015). Collection method: clinical testing. Allele origin: germline.

PreventionGenetics, part of Exact Sciences
Classification: Likely benign for DYRK1B-related condition. Last evaluated: 2021-11-03. Review status: no assertion criteria provided. Collection method: clinical testing. Allele origin: germline. Not counted in ClinVar's aggregate classification.
Comment: This variant is classified as likely benign based on ACMG/AMP sequence variant interpretation guidelines (Richards et al. 2015 PMID: 25741868, with internal and published modifications).

NM_004714.3(DYRK1B):c.726C>T (p.Pro242=)

Gene: DYRK1B (dual specificity tyrosine phosphorylation regulated kinase 1B; minus strand). Cytogenetic location: 19q13.2.
Variant type: single nucleotide variant.
Coding change: c.726C>T on transcript NM_004714.3 (MANE Select); coding-DNA position 726, C replaced by T.
Protein change: p.Pro242=; no amino-acid change (proline 242 retained).
Molecular consequence: synonymous variant.
Genome position (GRCh38, 1-based): chr19:39,828,378, G>A on the plus strand (C>T on the coding strand, the complement: DYRK1B is on the minus strand). VCF-style: chr19-39828378-G-A. GRCh37 (hg19) VCF-style: chr19-40319018-G-A.
Other names: c.726C>T, p.Pro242= (NM_006483.3, NM_006484.3); c.726C>T (NM_004714.2).
Identifiers: ClinVar variation 2741037 (VCV002741037.4), dbSNP rs776640518, ClinGen allele CA9434229.